The following is an entry in ClinVar:

ClinVar aggregate classification (germline): not provided (0 of 4 stars; one submission).

Conditions:
Gestational diabetes mellitus uncontrolled. Identifiers: MedGen C3532257.

Submission:

Institute of Molecular and Cell Biology, University of Tartu
No classification provided. Condition: Gestational diabetes mellitus uncontrolled. Review status: no classification provided. Collection method: case-control. Allele origin: unknown. Affected: yes. Study: Kasak2014.
Comment: The study aimed to determine the contribution of copy number variants in the genetic etiology of normal and complicated pregnancies. The samples represented (i) maternal blood DNA drawn from healthy pregnant women during 1st or 2nd trimester and (ii) maternal and paternal blood DNA drawn at term pregnancy cases representing normal and complicated gestations (severe preeclampsia, PE; gestational diabetes, GD; small-for-gestational age newborn, SGA; large-for-gestational age newborn, LGA). We performed CNV calling based on genome-wide genotyping dataset (Illumina HumanOmniExpress-24-v1 BeadChip) by applying three algorithms, QuantiSNP, GADA (Genome Alteration Detection Algorithm) and CNstream in parallel. The acquired CNV calls were merged with HD-CNV (Hotspot Detector for Copy Number Variants) program and only the CNVs predicted by at least two programs, were considered in subsequent analysis.

Literature cited by the submitters: PubMed 25666259.

Single allele

Variant type: Deletion.
Identifiers: ClinVar variation 157415 (VCV000157415.2).